The following is an entry in ClinVar:

ClinVar aggregate classification (germline): Uncertain significance. Review status: criteria provided, single submitter (1 of 4 stars). 2 submissions from 2 submitters: Uncertain significance (1). 1 of the submissions does not count toward it. Last evaluated 2024-07-30.

Conditions:
CENPF-related disorder. Also called: CENPF-related condition.
Inborn genetic diseases. Identifiers: MedGen C0950123, MeSH D030342.

Allele frequency attached by ClinVar (database versions not stated): TOPMed 0.00004; ExAC 0.00006; gnomAD 0.00006; 1000 Genomes Project 30x 0.00016; 1000 Genomes Project 0.00020.
gnomAD v4.1: 61 of 1,610,980 alleles (0.0038%); highest among the groups gnomAD compares: Non-Finnish European, 0.0048%; no homozygotes.

Submissions (2):

Ambry Genetics
Classification: Uncertain significance for Inborn genetic diseases. Last evaluated: 2024-07-30. Review status: criteria provided, single submitter. Criteria: Ambry Variant Classification Scheme 2023. Collection method: clinical testing. Allele origin: germline.

PreventionGenetics, part of Exact Sciences
Classification: Uncertain significance for CENPF-related condition. Last evaluated: 2023-12-18. Review status: no assertion criteria provided. Collection method: clinical testing. Allele origin: germline. Not counted in ClinVar's aggregate classification.
Comment: The CENPF c.3673C>A variant is predicted to result in the amino acid substitution p.Gln1225Lys. To our knowledge, this variant has not been reported in the literature. This variant is reported in 0.0087% of alleles in individuals of European (Non-Finnish) descent in gnomAD. At this time, the clinical significance of this variant is uncertain due to the absence of conclusive functional and genetic evidence.

NM_016343.4(CENPF):c.3673C>A (p.Gln1225Lys)

Gene: CENPF (centromere protein F; plus strand). Cytogenetic location: 1q41.
Variant type: single nucleotide variant.
Coding change: c.3673C>A on transcript NM_016343.4 (MANE Select); coding-DNA position 3673, C replaced by A.
Protein change: p.Gln1225Lys; replaces glutamine 1225 with lysine.
Molecular consequence: missense variant.
Genome position (GRCh38, 1-based): chr1:214,642,011, C>A. VCF-style: chr1-214642011-C-A. GRCh37 (hg19) VCF-style: chr1-214815354-C-A.
Other names: short protein forms Q1225K.
Identifiers: ClinVar variation 3039374 (VCV003039374.3), dbSNP rs546921377, ClinGen allele CA1390446.